The following is an entry in ClinVar:

NM_001379403.1(WDR26):c.2030G>T (p.Cys677Phe)

Gene: WDR26 (WD repeat domain 26; minus strand). Cytogenetic location: 1q42.11.
Variant type: single nucleotide variant.
Coding change: c.2030G>T on transcript NM_001379403.1 (MANE Select); coding-DNA position 2030, G replaced by T.
Protein change: p.Cys677Phe; replaces cysteine 677 with phenylalanine.
Molecular consequence: missense variant.
Genome position (GRCh38, 1-based): chr1:224,398,141, C>A on the plus strand (G>T on the coding strand, the complement: WDR26 is on the minus strand). VCF-style: chr1-224398141-C-A. GRCh37 (hg19) VCF-style: chr1-224585843-C-A.
Other names: c.1682G>T, p.Cys561Phe (NM_001115113.3); c.1730G>T, p.Cys577Phe (NM_025160.7); short protein forms C561F, C577F, C677F.
Identifiers: ClinVar variation 3384638 (VCV003384638.1).

ClinVar aggregate classification (germline): Uncertain significance (1 of 4 stars; one submission).

Submission:

GeneDx
Classification: Uncertain significance. Last evaluated: 2024-06-03. Review status: criteria provided, single submitter. Criteria: GeneDx Variant Classification Process June 2021. Collection method: clinical testing. Allele origin: germline. Affected: yes.
Comment: Not observed at significant frequency in large population cohorts (gnomAD); In silico analysis supports that this missense variant has a deleterious effect on protein structure/function; Has not been previously published as pathogenic or benign to our knowledge